The following is an entry in ClinVar:

ClinVar aggregate classification (germline): Uncertain significance (1 of 4 stars; one submission).

Conditions:
Early Myoclonic Encephalopathy. Identifiers: MedGen C0270855.

gnomAD v4.1: 1 of 1,614,028 alleles (0.000062%); no homozygotes.

Submission:

Labcorp Genetics (formerly Invitae), Labcorp
Classification: Uncertain significance for Early Myoclonic Encephalopathy. Last evaluated: 2024-02-08. Review status: criteria provided, single submitter. Criteria: Invitae Variant Classification Sherloc (09022015). Collection method: clinical testing. Allele origin: germline.
Comment: This sequence change replaces glycine, which is neutral and non-polar, with valine, which is neutral and non-polar, at codon 721 of the JMJD1C protein (p.Gly721Val). This variant is not present in population databases (gnomAD no frequency). This variant has not been reported in the literature in individuals affected with JMJD1C-related conditions. ClinVar contains an entry for this variant (Variation ID: 942434). Advanced modeling of protein sequence and biophysical properties (such as structural, functional, and spatial information, amino acid conservation, physicochemical variation, residue mobility, and thermodynamic stability) performed at Invitae indicates that this missense variant is expected to disrupt JMJD1C protein function with a positive predictive value of 80%. In summary, the available evidence is currently insufficient to determine the role of this variant in disease. Therefore, it has been classified as a Variant of Uncertain Significance.

NM_032776.3(JMJD1C):c.2162G>T (p.Gly721Val)

Gene: JMJD1C (jumonji domain containing 1C; minus strand). Cytogenetic location: 10q21.3.
Variant type: single nucleotide variant.
Coding change: c.2162G>T on transcript NM_032776.3 (MANE Select); coding-DNA position 2162, G replaced by T.
Protein change: p.Gly721Val; replaces glycine 721 with valine.
Molecular consequence: missense variant. On other transcripts: non-coding transcript variant (1).
Genome position (GRCh38, 1-based): chr10:63,214,005, C>A on the plus strand (G>T on the coding strand, the complement: JMJD1C is on the minus strand). VCF-style: chr10-63214005-C-A. GRCh37 (hg19) VCF-style: chr10-64973765-C-A.
Other names: c.1616G>T, p.Gly539Val (NM_001282948.2, NM_001318154.2); c.1298G>T, p.Gly433Val (NM_001318153.2); c.2048G>T, p.Gly683Val (NM_001322252.2); c.1505G>T, p.Gly502Val (NM_001322254.2, NM_001322258.2); short protein forms G433V, G502V, G683V, G539V, G721V.
Identifiers: ClinVar variation 942434 (VCV000942434.9), dbSNP rs1847669608, ClinGen allele CA377046558.